The following is an entry in ClinVar:

NM_024537.4(CARS2):c.31G>T (p.Gly11Cys)

Genes: CARS2 (cysteinyl-tRNA synthetase 2, mitochondrial; minus strand), LOC130010127 (ATAC-STARR-seq lymphoblastoid silent region 5509; plus strand). Cytogenetic location: 13q34.
Variant type: single nucleotide variant.
Coding change: c.31G>T on transcript NM_024537.4 (MANE Select); coding-DNA position 31, G replaced by T.
Protein change: p.Gly11Cys; replaces glycine 11 with cysteine.
Molecular consequence: missense variant. On other transcripts: non-coding transcript variant (1), intron variant (1).
Genome position (GRCh38, 1-based): chr13:110,706,063, C>A on the plus strand (G>T on the coding strand, the complement: CARS2 is on the minus strand). VCF-style: chr13-110706063-C-A. GRCh37 (hg19) VCF-style: chr13-111358410-C-A.
Other names: c.31G>T, p.Gly11Cys (NM_001352253.3); c.-776+308G>T (NM_001352252.2); short protein forms G11C.
Identifiers: ClinVar variation 1715415 (VCV001715415.6), dbSNP rs1283128812, ClinGen allele CA388743504.
Genomic context (GRCh38, chr13:110,706,063, plus strand): 5'-CCGCAGGCCAGTGCCACCCAGCCCGCCCAAGGCCCAGCGCGGCCTGGAGCAGCGGGGGGC[C>A]CAGGCCTGGGCCGCGCGTAGTCCTCAACATGTCAGCGGCCAGCGCCTACGACTGGGCGGA-3'
Protein context (NP_078813.1, residues 1-21): MLRTTRGPGL[Gly11Cys]PPLLQAALGL

ClinVar aggregate classification (germline): Uncertain significance (1 of 4 stars; one submission).

Conditions:
Combined oxidative phosphorylation defect type 27. Also called: Combined oxidative phosphorylation deficiency 27. Identifiers: Orphanet 477774, MedGen C5567608, MONDO:0014728, OMIM 616672.

gnomAD v4.1: 2 of 1,356,844 alleles (0.00015%); highest among the groups gnomAD compares: Non-Finnish European, 0.00019%; no homozygotes.

Submission:

Labcorp Genetics (formerly Invitae), Labcorp
Classification: Uncertain significance for Combined oxidative phosphorylation defect type 27. Last evaluated: 2023-12-18. Review status: criteria provided, single submitter. Criteria: Invitae Variant Classification Sherloc (09022015). Collection method: clinical testing. Allele origin: germline.
Comment: This sequence change replaces glycine, which is neutral and non-polar, with cysteine, which is neutral and slightly polar, at codon 11 of the CARS2 protein (p.Gly11Cys). This variant is not present in population databases (gnomAD no frequency). This variant has not been reported in the literature in individuals affected with CARS2-related conditions. ClinVar contains an entry for this variant (Variation ID: 1715415). Algorithms developed to predict the effect of missense changes on protein structure and function output the following: SIFT: "Not Available"; PolyPhen-2: "Not Available"; Align-GVGD: "Not Available". The cysteine amino acid residue is found in multiple mammalian species, which suggests that this missense change does not adversely affect protein function. In summary, the available evidence is currently insufficient to determine the role of this variant in disease. Therefore, it has been classified as a Variant of Uncertain Significance.